The following is an entry in ClinVar:

ClinVar aggregate classification (germline): Uncertain significance (1 of 4 stars; one submission).

Submission:

Labcorp Genetics (formerly Invitae), Labcorp
Classification: Uncertain significance. Last evaluated: 2023-05-13. Review status: criteria provided, single submitter. Criteria: Invitae Variant Classification Sherloc (09022015). Collection method: clinical testing. Allele origin: germline.
Comment: This sequence change affects codon 188 of the MAGEL2 mRNA. It is a 'silent' change, meaning that it does not change the encoded amino acid sequence of the MAGEL2 protein. This variant is not present in population databases (gnomAD no frequency). This variant has not been reported in the literature in individuals affected with MAGEL2-related conditions. In summary, the available evidence is currently insufficient to determine the role of this variant in disease. Therefore, it has been classified as a Variant of Uncertain Significance.

NM_019066.5(MAGEL2):c.564G>A (p.Pro188=)

Gene: MAGEL2 (MAGE family member L2; minus strand). Cytogenetic location: 15q11.2.
Variant type: single nucleotide variant.
Coding change: c.564G>A on transcript NM_019066.5 (MANE Select); coding-DNA position 564, G replaced by A.
Protein change: p.Pro188=; no amino-acid change (proline 188 retained).
Molecular consequence: synonymous variant.
Genome position (GRCh38, 1-based): chr15:23,647,179, C>T on the plus strand (G>A on the coding strand, the complement: MAGEL2 is on the minus strand). VCF-style: chr15-23647179-C-T. GRCh37 (hg19) VCF-style: chr15-23892326-C-T.
Identifiers: ClinVar variation 2790893 (VCV002790893.3), dbSNP rs899548958, ClinGen allele CA967691608.
Genomic context (GRCh38, chr15:23,647,179, plus strand): 5'-CGGTGTCCCCGGAGGGGGAGGATGAGCCATCGGTGTCCCCGGAGGGGGAGGATGAGCCAT[C>T]GGGGTCCCCGGAGGAGGAGGATGCACCATCGGGGTCCCCGGAGGAGGAGGATGGGCCATC-3'
Protein context (NP_061939.3, residues 178-198): PMVHPPPPGT[Pro188=]MAHPPPPGTP